The following is an entry in ClinVar:

ClinVar aggregate classification (germline): Uncertain significance. Review status: criteria provided, multiple submitters, no conflicts (2 of 4 stars). 3 submissions from 3 submitters: Uncertain significance (3). Last evaluated 2025-01-06.

Conditions:
Sotos syndrome (SOTOS). Also called: CHROMOSOME 5q35 DELETION SYNDROME; SOTOS SYNDROME 1; Distinctive facial appearance, overgrowth in childhood, and learning disabilities or delayed development; CEREBRAL GIGANTISM; Sotos' syndrome. Identifiers: Orphanet 821, MedGen C0175695, MONDO:0019349, OMIM 117550.

Allele frequency attached by ClinVar (database versions not stated): TOPMed below 0.00001; gnomAD exomes 0.00001.
gnomAD v4.1: 7 of 1,614,020 alleles (0.00043%); highest among the groups gnomAD compares: East Asian, 0.0022%; no homozygotes.

Submissions (3):

Labcorp Genetics (formerly Invitae), Labcorp
Classification: Uncertain significance. Last evaluated: 2025-01-06. Review status: criteria provided, single submitter. Criteria: Invitae Variant Classification Sherloc (09022015). Collection method: clinical testing. Allele origin: germline.
Comment: This sequence change replaces cysteine, which is neutral and slightly polar, with tyrosine, which is neutral and polar, at codon 442 of the NSD1 protein (p.Cys442Tyr). This variant is not present in population databases (gnomAD no frequency). This variant has not been reported in the literature in individuals affected with NSD1-related conditions. ClinVar contains an entry for this variant (Variation ID: 1311124). Invitae Evidence Modeling of protein sequence and biophysical properties (such as structural, functional, and spatial information, amino acid conservation, physicochemical variation, residue mobility, and thermodynamic stability) indicates that this missense variant is not expected to disrupt NSD1 protein function with a negative predictive value of 95%. In summary, the available evidence is currently insufficient to determine the role of this variant in disease. Therefore, it has been classified as a Variant of Uncertain Significance.

Fulgent Genetics
Classification: Uncertain significance for Sotos syndrome. Last evaluated: 2021-11-04. Review status: criteria provided, single submitter. Criteria: ACMG Guidelines, 2015. Collection method: clinical testing. Allele origin: unknown.

GeneDx
Classification: Uncertain significance. Last evaluated: 2019-12-20. Review status: criteria provided, single submitter. Criteria: GeneDx Variant Classification Process June 2021. Collection method: clinical testing. Allele origin: germline. Affected: yes.
Comment: Not observed in large population cohorts (Lek et al., 2016); In silico analysis, which includes protein predictors and evolutionary conservation, supports that this variant does not alter protein structure/function; Has not been previously published as pathogenic or benign to our knowledge

NM_022455.5(NSD1):c.1325G>A (p.Cys442Tyr)

Gene: NSD1 (nuclear receptor binding SET domain protein 1; plus strand). Cytogenetic location: 5q35.3.
Variant type: single nucleotide variant.
Coding change: c.1325G>A on transcript NM_022455.5 (MANE Select); coding-DNA position 1325, G replaced by A.
Protein change: p.Cys442Tyr; replaces cysteine 442 with tyrosine.
Molecular consequence: missense variant.
Genome position (GRCh38, 1-based): chr5:177,209,724, G>A. VCF-style: chr5-177209724-G-A. GRCh37 (hg19) VCF-style: chr5-176636725-G-A.
Other names: c.452G>A, p.Cys151Tyr (NM_001365684.2, NM_001409306.1, NM_001409307.1 and 3 more transcripts); c.1325G>A, p.Cys442Tyr (NM_001409301.1, NM_001409302.1, NM_001409303.1); c.905G>A, p.Cys302Tyr (NM_001409304.1); c.572G>A, p.Cys191Tyr (NM_001409305.1); short protein forms C173Y, C442Y, C302Y, C151Y, C191Y.
Identifiers: ClinVar variation 1311124 (VCV001311124.6), dbSNP rs1763180633, ClinGen allele CA362308604.